The following is an entry in ClinVar:

ClinVar aggregate classification (germline): Benign/Likely benign. Review status: criteria provided, multiple submitters, no conflicts (2 of 4 stars). 4 submissions from 4 submitters: Benign (2); Likely benign (2). Last evaluated 2026-01-02.

Conditions:
Mendelian susceptibility to mycobacterial diseases due to partial STAT1 deficiency. Also called: IMMUNODEFICIENCY 31A, MYCOBACTERIOSIS, AUTOSOMAL DOMINANT; STAT1 DEFICIENCY, AUTOSOMAL DOMINANT; Immunodeficiency 31a. Identifiers: Orphanet 319595, MedGen C4013950, MONDO:0013956, OMIM 614892.
Immunodeficiency 31B. Also called: IMMUNODEFICIENCY 31B, MYCOBACTERIAL AND VIRAL INFECTIONS, AUTOSOMAL RECESSIVE; STAT1 DEFICIENCY, AUTOSOMAL RECESSIVE. Identifiers: Orphanet 391311, MedGen C3151088, MONDO:0013427, OMIM 613796.
Autoimmune enteropathy and endocrinopathy - susceptibility to chronic infections syndrome. Also called: Immunodeficiency 31C, autosomal dominant; Immunodeficiency 31C. Identifiers: Orphanet 391487, MedGen C3279990, MONDO:0013599, OMIM 614162.

Allele frequency attached by ClinVar (database versions not stated): TOPMed 0.00049; 1000 Genomes Project 30x 0.00078; 1000 Genomes Project 0.00100; ESP Exome Variant Server 0.00100; gnomAD exomes 0.00258 and 0.00626; gnomAD 0.00470 and 0.00495; ExAC 0.00519.
gnomAD v4.1: 4,481 of 1,614,024 alleles (0.28%); highest among the groups gnomAD compares: Non-Finnish European, 0.052%; 127 homozygotes.

Submissions (7):

Labcorp Genetics (formerly Invitae), Labcorp
Classification: Benign for Mendelian susceptibility to mycobacterial diseases due to partial STAT1 deficiency; Immunodeficiency 31B; Autoimmune enteropathy and endocrinopathy - susceptibility to chronic infections syndrome. Last evaluated: 2026-01-02. Review status: criteria provided, single submitter. Criteria: Invitae Variant Classification Sherloc (09022015). Collection method: clinical testing. Allele origin: germline.

CeGaT Center for Human Genetics Tuebingen
Classification: Likely benign. Last evaluated: 2024-12-01. Review status: criteria provided, single submitter. Criteria: CeGaT Center For Human Genetics Tuebingen Variant Classification Criteria Version 2. Collection method: clinical testing. Allele origin: germline. Affected: yes. Observed: 3 variant alleles.
Comment: STAT1: BP4, BS2

Blueprint Genetics
Classification: Likely benign. Last evaluated: 2024-11-22. Review status: criteria provided, single submitter. Criteria: ACMG Guidelines, 2015. Collection method: clinical testing. Allele origin: germline.

Illumina Laboratory Services, Illumina
Classification: Benign for Mendelian susceptibility to mycobacterial diseases due to partial STAT1 deficiency. Last evaluated: 2018-01-13. Review status: criteria provided, single submitter. Criteria: ICSL Variant Classification Criteria 13 December 2019. Collection method: clinical testing. Allele origin: germline.
Comment: This variant was observed in the ICSL laboratory as part of a predisposition screen in an ostensibly healthy population. It had not been previously curated by ICSL or reported in the Human Gene Mutation Database (HGMD: prior to June 1st, 2018), and was therefore a candidate for classification through an automated scoring system. Utilizing variant allele frequency, disease prevalence and penetrance estimates, and inheritance mode, an automated score was calculated to assess if this variant is too frequent to cause the disease. Based on the score and internal cut-off values, a variant classified as benign is not then subjected to further curation. The score for this variant resulted in a classification of benign for this disease.

Dr. Peter K. Rogan Lab, Western University
No classification provided (evidence only). Condition: Uterine corpus endometrial carcinoma. Review status: no classification provided. Collection method: in vitro. Allele origin: not applicable. Functional consequence: retained intron. Not counted in ClinVar's aggregate classification.

Dr. Peter K. Rogan Lab, Western University
No classification provided (evidence only). Condition: Hepatocellular carcinoma. Review status: no classification provided. Collection method: in vitro. Allele origin: not applicable. Functional consequence: retained intron. Not counted in ClinVar's aggregate classification.

Dr. Peter K. Rogan Lab, Western University
No classification provided (evidence only). Condition: Malignant tumor of esophagus. Review status: no classification provided. Collection method: in vitro. Allele origin: not applicable. Functional consequence: retained intron. Not counted in ClinVar's aggregate classification.

NM_007315.4(STAT1):c.1314A>G (p.Gln438=)

Gene: STAT1 (signal transducer and activator of transcription 1; minus strand). Cytogenetic location: 2q32.2.
Variant type: single nucleotide variant.
Coding change: c.1314A>G on transcript NM_007315.4 (MANE Select); coding-DNA position 1314, A replaced by G.
Protein change: p.Gln438=; no amino-acid change (glutamine 438 retained).
Molecular consequence: synonymous variant.
Genome position (GRCh38, 1-based): chr2:190,984,343, T>C on the plus strand (A>G on the coding strand, the complement: STAT1 is on the minus strand). VCF-style: chr2-190984343-T-C. GRCh37 (hg19) VCF-style: chr2-191849069-T-C.
Other names: c.1254A>G, p.Gln418= (NM_001384880.1); c.1320A>G, p.Gln440= (NM_001384881.1, NM_001384884.1); c.1308A>G, p.Gln436= (NM_001384882.1); c.1215A>G, p.Gln405= (NM_001384883.1); c.1155A>G, p.Gln385= (NM_001384885.1); c.1314A>G, p.Gln438= (NM_001384886.1, NM_001384889.1, NM_139266.3); c.1221A>G, p.Gln407= (NM_001384887.1); c.1284A>G, p.Gln428= (NM_001384888.1); and 2 more.
Identifiers: ClinVar variation 333274 (VCV000333274.31), dbSNP rs138091660, ClinGen allele CA2029965.